The following is an entry in ClinVar:

ClinVar aggregate classification (germline): Uncertain significance. Review status: criteria provided, multiple submitters, no conflicts (2 of 4 stars). 2 submissions from 2 submitters: Uncertain significance (2). Last evaluated 2022-03-18.

Conditions:
Inborn genetic diseases. Identifiers: MedGen C0950123, MeSH D030342.
Progressive myoclonic epilepsy. Also called: Familial progressive myoclonic epilepsy; Myoclonus epilepsy; Progressive myoclonus epilepsy; Myoclonic Epilepsies, Progressive. Identifiers: Orphanet 308, Orphanet 98261, MedGen C0751778, MONDO:0020074.

Allele frequency attached by ClinVar (database versions not stated): gnomAD 0.00001; TOPMed 0.00001.
gnomAD v4.1: 4 of 1,613,032 alleles (0.00025%); highest among the groups gnomAD compares: Admixed American, 0.0017%; no homozygotes.

Submissions (2):

Labcorp Genetics (formerly Invitae), Labcorp
Classification: Uncertain significance for Progressive myoclonic epilepsy. Last evaluated: 2022-03-18. Review status: criteria provided, single submitter. Criteria: Invitae Variant Classification Sherloc (09022015). Collection method: clinical testing. Allele origin: germline.
Comment: This sequence change replaces glycine, which is neutral and non-polar, with serine, which is neutral and polar, at codon 136 of the GOSR2 protein (p.Gly136Ser). This variant is not present in population databases (gnomAD no frequency). This variant has not been reported in the literature in individuals affected with GOSR2-related conditions. Algorithms developed to predict the effect of missense changes on protein structure and function output the following: SIFT: "Tolerated"; PolyPhen-2: "Probably Damaging"; Align-GVGD: "Class C0". The serine amino acid residue is found in multiple mammalian species, which suggests that this missense change does not adversely affect protein function. In summary, the available evidence is currently insufficient to determine the role of this variant in disease. Therefore, it has been classified as a Variant of Uncertain Significance.

Ambry Genetics
Classification: Uncertain significance for Inborn genetic diseases. Last evaluated: 2018-02-27. Review status: criteria provided, single submitter. Criteria: Ambry Variant Classification Scheme 2023. Collection method: clinical testing. Allele origin: germline.
Comment: The p.G136S variant (also known as c.406G>A), located in coding exon 5 of the GOSR2 gene, results from a G to A substitution at nucleotide position 406. The glycine at codon 136 is replaced by serine, an amino acid with similar properties. This amino acid position is highly conserved in available vertebrate species. In addition, the in silico prediction for this alteration is inconclusive. Since supporting evidence is limited at this time, the clinical significance of this alteration remains unclear.

NM_004287.5(GOSR2):c.406G>A (p.Gly136Ser)

Genes: GOSR2 (golgi SNAP receptor complex member 2; plus strand), LRRC37A2 (leucine rich repeat containing 37 member A2). Cytogenetic location: 17q21.32.
Variant type: single nucleotide variant.
Coding change: c.406G>A on transcript NM_004287.5 (MANE Select); coding-DNA position 406, G replaced by A.
Protein change: p.Gly136Ser; replaces glycine 136 with serine.
Molecular consequence: missense variant. On other transcripts: non-coding transcript variant (1), intron variant (4).
Genome position (GRCh38, 1-based): chr17:46,935,098, G>A. VCF-style: chr17-46935098-G-A. GRCh37 (hg19) VCF-style: chr17-45012464-G-A.
Other names: c.406G>A, p.Gly136Ser (NM_001012511.3, NM_001321133.2, NM_054022.4); c.403G>A, p.Gly135Ser (NM_001353114.2); c.352G>A, p.Gly118Ser (NM_001363851.2); c.282+2899G>A (NM_001321134.2); c.336+2899G>A (NM_001330252.2); c.333+2899G>A (NM_001353115.2, NM_001353116.2); short protein forms G118S, G135S, G136S.
Identifiers: ClinVar variation 1737535 (VCV001737535.4), dbSNP rs1374830883, ClinGen allele CA400018159.